The following is an entry in ClinVar:

ClinVar aggregate classification (germline): Likely pathogenic. Review status: criteria provided, multiple submitters, no conflicts (2 of 4 stars). 2 submissions from 2 submitters: Likely pathogenic (2). Last evaluated 2026-07-27.

Conditions:
Hereditary cancer-predisposing syndrome. Also called: Hereditary neoplastic syndrome; Neoplastic Syndromes, Hereditary; Tumor predisposition; Hereditary Cancer Syndrome. Identifiers: Orphanet 140162, MedGen C0027672, MeSH D009386, MONDO:0015356.
Familial adenomatous polyposis 2. Also called: ADENOMAS, MULTIPLE COLORECTAL, AUTOSOMAL RECESSIVE; MUTYH Polyposis; FAP type 2; MYH-associated polyposis; Adenomas, multiple colorectal; COLORECTAL ADENOMATOUS POLYPOSIS, AUTOSOMAL RECESSIVE. Identifiers: Orphanet 220460, Orphanet 247798, MedGen C3272841, MONDO:0012041, OMIM 608456.

Submissions (2):

Myriad Genetics, Inc.
Classification: Likely pathogenic for Familial adenomatous polyposis 2. Last evaluated: 2026-07-27. Review status: criteria provided, single submitter. Criteria: Myriad Autosomal Dominant, Autosomal Recessive and X-Linked Classification Criteria (2023). Collection method: clinical testing. Allele origin: unknown.
Comment: This variant is considered likely pathogenic. Functional studies indicate this variant impacts protein function [PMID: 40738107]. This variant is expected to disrupt protein structure [Myriad internal data].

Ambry Genetics
Classification: Likely pathogenic for Hereditary cancer-predisposing syndrome. Last evaluated: 2025-08-15. Review status: criteria provided, single submitter. Criteria: Ambry Variant Classification Scheme 2023. Collection method: clinical testing. Allele origin: germline.
Comment: The p.G250V variant (also known as c.749G>T), located in coding exon 9 of the MUTYH gene, results from a G to T substitution at nucleotide position 749. The glycine at codon 250 is replaced by valine, an amino acid with dissimilar properties. In a massively parallel cell-based functional assay testing 7,8-dihydro-8- oxoguanine:adenine (8OG:A) repair activity, a byproduct of oxidative damage, this variant was reported to be non-functional (Hemker SL et al. Am J Hum Genet. Published online July 29, 2025. DOI: 10.1016/j.ajhg.2025.07.005). This amino acid position is highly conserved in available vertebrate species. In addition, this alteration is predicted to be deleterious by in silico analysis. This variant is considered to be rare based on population cohorts in the Genome Aggregation Database (gnomAD). Based on the majority of available evidence to date, this variant is likely to be pathogenic.

Literature cited by the submitters: PubMed 40738107 (cited by Myriad Genetics, Inc. and Ambry Genetics).

NM_001048174.2(MUTYH):c.665G>T (p.Gly222Val)

Gene: MUTYH (mutY DNA glycosylase; minus strand). Cytogenetic location: 1p34.1.
Variant type: single nucleotide variant.
Coding change: c.665G>T on transcript NM_001048174.2 (MANE Select); coding-DNA position 665, G replaced by T.
Protein change: p.Gly222Val; replaces glycine 222 with valine.
Molecular consequence: missense variant. On other transcripts: non-coding transcript variant (2).
Genome position (GRCh38, 1-based): chr1:45,332,430, C>A on the plus strand (G>T on the coding strand, the complement: MUTYH is on the minus strand). VCF-style: chr1-45332430-C-A. GRCh37 (hg19) VCF-style: chr1-45798102-C-A.
Other names: c.665G>T, p.Gly222Val (NM_001407070.1, NM_001407072.1, NM_001407073.1 and 6 more transcripts); c.668G>T, p.Gly223Val (NM_001407071.1, NM_001407078.1, NM_001048172.2 and 1 more transcripts); c.581G>T, p.Gly194Val (NM_001407075.1); c.698G>T, p.Gly233Val (NM_001407077.1, NM_001293191.2, NM_001407069.1); c.626G>T, p.Gly209Val (NM_001407079.1); c.623G>T, p.Gly208Val (NM_001407080.1); c.749G>T, p.Gly250Val (NM_001128425.2); c.710G>T, p.Gly237Val (NM_001293190.2); and 5 more; short protein forms G130V, G209V, G237V, G194V, G208V, G222V, G233V, G236V.
Identifiers: ClinVar variation 1759197 (VCV001759197.5), dbSNP rs587781529, ClinGen allele CA340134822.